The following is an entry in ClinVar:

NM_000312.4(PROC):c.322C>A (p.His108Asn)

Gene: PROC (protein C, inactivator of coagulation factors Va and VIIIa; plus strand). Cytogenetic location: 2q14.3.
Variant type: single nucleotide variant.
Coding change: c.322C>A on transcript NM_000312.4 (MANE Select); coding-DNA position 322, C replaced by A.
Protein change: p.His108Asn; replaces histidine 108 with asparagine.
Molecular consequence: missense variant. On other transcripts: synonymous variant (1).
Genome position (GRCh38, 1-based): chr2:127,423,093, C>A. VCF-style: chr2-127423093-C-A. GRCh37 (hg19) VCF-style: chr2-128180669-C-A.
Other names: c.322C>A, p.His108Asn (NM_001375608.1, NM_001375611.1, NM_001375613.1 and 1 more transcripts); c.298C>A, p.His100Asn (NM_001375609.1); c.316C>A, p.His106Asn (NM_001375610.1); c.505C>A, p.His169Asn (NM_001375602.1); c.385C>A, p.His129Asn (NM_001375603.1, NM_001375604.1); c.477C>A, p.Gly159= (NM_001375606.1); c.406C>A, p.His136Asn (NM_001375607.1); short protein forms H108N, H100N, H106N, H129N, H136N, H169N.
Identifiers: ClinVar variation 161335 (VCV000161335.50), dbSNP rs200234655, ClinGen allele CA211712.

ClinVar aggregate classification (germline): Uncertain significance. Review status: criteria provided, multiple submitters, no conflicts (2 of 4 stars). 5 submissions from 5 submitters: Uncertain significance (4). 1 of the submissions does not count toward it. Last evaluated 2025-01-30.

Conditions:
Thrombophilia due to protein C deficiency, autosomal recessive. Also called: PROC DEFICIENCY, AUTOSOMAL RECESSIVE; PROTEIN C DEFICIENCY, AUTOSOMAL RECESSIVE. Identifiers: Orphanet 745, MedGen C2676759, MONDO:0012860, OMIM 612304.
Thrombophilia due to protein C deficiency, autosomal dominant. Also called: PROC DEFICIENCY, AUTOSOMAL DOMINANT; PROTEIN C DEFICIENCY, AUTOSOMAL DOMINANT. Identifiers: Orphanet 745, MedGen C2674321, MONDO:0008316, OMIM 176860. Disease mechanism: loss of function.

Allele frequency attached by ClinVar (database versions not stated): ExAC 0.00003; gnomAD 0.00005 and 0.00007; TOPMed 0.00006; ESP Exome Variant Server 0.00008.

Submissions (5):

Dasa
Classification: Uncertain significance. Last evaluated: 2025-01-30. Review status: criteria provided, single submitter. Criteria: DASA Assertion Criteria. Collection method: clinical testing. Allele origin: germline.
Comment: NM_000312.4(PROC):c.322C>A (p.His108Asn) is a missense variant that results in the substitution of histidine with asparagine. This variant has been recurrently observed in individuals with PROC-related disorders (PMID: 32309994; PMID: 17152060; PMID: 33477601). Also, this variant is rare in population databases. Computational prediction algorithms are consistent with a benign effect. The currently available literature and clinical evidence are not sufficient to establish a definitive association between this variant and the reported condition. Therefore, this variant is classified as a variant of uncertain significance.

Fulgent Genetics
Classification: Uncertain significance for Thrombophilia due to protein C deficiency, autosomal dominant; Thrombophilia due to protein C deficiency, autosomal recessive. Last evaluated: 2022-03-02. Review status: criteria provided, single submitter. Criteria: ACMG Guidelines, 2015. Collection method: clinical testing. Allele origin: unknown.

Labcorp Genetics (formerly Invitae), Labcorp
Classification: Uncertain significance for Thrombophilia due to protein C deficiency, autosomal dominant. Last evaluated: 2021-09-17. Review status: criteria provided, single submitter. Criteria: Invitae Variant Classification Sherloc (09022015). Collection method: clinical testing. Allele origin: germline.
Comment: This sequence change replaces histidine with asparagine at codon 108 of the PROC protein (p.His108Asn). The histidine residue is moderately conserved and there is a small physicochemical difference between histidine and asparagine. This variant is present in population databases (rs200234655, ExAC 0.005%). This variant has been observed in individual(s) with protein C deficiency (PMID: 7482420, 17152060, 31254973). ClinVar contains an entry for this variant (Variation ID: 161335). Algorithms developed to predict the effect of missense changes on protein structure and function output the following: SIFT: "Tolerated"; PolyPhen-2: "Benign"; Align-GVGD: "Class C0". The asparagine amino acid residue is found in multiple mammalian species, which suggests that this missense change does not adversely affect protein function. In summary, the available evidence is currently insufficient to determine the role of this variant in disease. Therefore, it has been classified as a Variant of Uncertain Significance.

CeGaT Center for Human Genetics Tuebingen
Classification: Uncertain significance. Last evaluated: 2019-03-01. Review status: criteria provided, single submitter. Criteria: CeGaT Center For Human Genetics Tuebingen Variant Classification Criteria Version 2. Collection method: clinical testing. Allele origin: germline. Affected: yes. Observed: 1 variant allele.

CSER _CC_NCGL, University of Washington
Classification: Uncertain significance for Protein C deficiency. Last evaluated: 2014-06-01. Review status: no assertion criteria provided. Collection method: research. Allele origin: germline. Inheritance: Autosomal dominant inheritance. Study: ESP 6500 variant annotation. Not counted in ClinVar's aggregate classification.
Comment: Variants classified for the Actionable exomic incidental findings in 6503 participants: challenges of variant classification manuscript

Literature cited by the submitters: PubMed 32309994 (cited by Dasa); PubMed 17152060 (cited by Dasa and Labcorp Genetics (formerly Invitae), Labcorp); PubMed 33477601 (cited by Dasa); PubMed 7482420 (cited by Labcorp Genetics (formerly Invitae), Labcorp); PubMed 31254973 (cited by Labcorp Genetics (formerly Invitae), Labcorp).